The following is an entry in ClinVar:

NM_023013.4(PRAMEF1):c.441A>G (p.Leu147=)

Gene: PRAMEF1 (PRAME family member 1; plus strand). Cytogenetic location: 1p36.21.
Variant type: single nucleotide variant.
Coding change: c.441A>G on transcript NM_023013.4 (MANE Select); coding-DNA position 441, A replaced by G.
Protein change: p.Leu147=; no amino-acid change (leucine 147 retained).
Molecular consequence: synonymous variant.
Genome position (GRCh38, 1-based): chr1:12,794,068, A>G. VCF-style: chr1-12794068-A-G. GRCh37 (hg19) VCF-style: chr1-12854217-A-G.
Identifiers: ClinVar variation 2638261 (VCV002638261.24), dbSNP rs745441933, ClinGen allele CA606331.

ClinVar aggregate classification (germline): Likely benign (1 of 4 stars; one submission).

Allele frequency attached by ClinVar (database versions not stated): ExAC 0.00001.

Submission:

CeGaT Center for Human Genetics Tuebingen
Classification: Likely benign. Last evaluated: 2024-12-01. Review status: criteria provided, single submitter. Criteria: CeGaT Center For Human Genetics Tuebingen Variant Classification Criteria Version 2. Collection method: clinical testing. Allele origin: germline. Affected: yes. Observed: 2 variant alleles.
Comment: PRAMEF1: BP4, BP7